The following is an entry in ClinVar:

ClinVar aggregate classification (germline): Uncertain significance. Review status: criteria provided, multiple submitters, no conflicts (2 of 4 stars). 2 submissions from 2 submitters: Uncertain significance (2). Last evaluated 2023-03-23.

Conditions:
Lafora disease. Also called: Epilepsy progressive myoclonic 2. Identifiers: Orphanet 501, MedGen C0751783, MONDO:0009697.

Allele frequency attached by ClinVar (database versions not stated): ExAC 0.00001; TOPMed 0.00002; gnomAD 0.00001.

Submissions (2):

Labcorp Genetics (formerly Invitae), Labcorp
Classification: Uncertain significance for Lafora disease. Last evaluated: 2023-03-23. Review status: criteria provided, single submitter. Criteria: Invitae Variant Classification Sherloc (09022015). Collection method: clinical testing. Allele origin: germline.
Comment: This sequence change replaces glutamic acid, which is acidic and polar, with glutamine, which is neutral and polar, at codon 18 of the NHLRC1 protein (p.Glu18Gln). In summary, the available evidence is currently insufficient to determine the role of this variant in disease. Therefore, it has been classified as a Variant of Uncertain Significance. Advanced modeling of protein sequence and biophysical properties (such as structural, functional, and spatial information, amino acid conservation, physicochemical variation, residue mobility, and thermodynamic stability) performed at Invitae indicates that this missense variant is not expected to disrupt NHLRC1 protein function. ClinVar contains an entry for this variant (Variation ID: 206195). This variant has not been reported in the literature in individuals affected with NHLRC1-related conditions. This variant is present in population databases (rs771805307, gnomAD 0.02%).

GeneDx
Classification: Uncertain significance. Last evaluated: 2019-12-23. Review status: criteria provided, single submitter. Criteria: GeneDx Variant Classification Process June 2021. Collection method: clinical testing. Allele origin: germline. Affected: yes.
Comment: In silico analysis, which includes protein predictors and evolutionary conservation, supports that this variant does not alter protein structure/function; Has not been previously published as pathogenic or benign to our knowledge

NM_198586.3(NHLRC1):c.52G>C (p.Glu18Gln)

Gene: NHLRC1 (NHL repeat containing E3 ubiquitin protein ligase 1; minus strand). Cytogenetic location: 6p22.3.
Variant type: single nucleotide variant.
Coding change: c.52G>C on transcript NM_198586.3 (MANE Select); coding-DNA position 52, G replaced by C.
Protein change: p.Glu18Gln; replaces glutamic acid 18 with glutamine.
Molecular consequence: missense variant.
Genome position (GRCh38, 1-based): chr6:18,122,555, C>G on the plus strand (G>C on the coding strand, the complement: NHLRC1 is on the minus strand). VCF-style: chr6-18122555-C-G. GRCh37 (hg19) VCF-style: chr6-18122786-C-G.
Other names: p.E18Q:GAG>CAG; short protein forms E18Q.
Identifiers: ClinVar variation 206195 (VCV000206195.7), dbSNP rs771805307, ClinGen allele CA316045.
Genomic context (GRCh38, chr6:18,122,555, plus strand): 5'-GCTGCCGGTGGCCAAACTTCTCAAAGCACACCTTGCACTCGAGCAGGCTGATCTCCGCCT[C>G]GCGCATGAGCTCATGCAGCGCTGGCCCGCTCTCCGAGGCTTCGGCCGCCATGGCGCGTCC-3'
Protein context (NP_940988.2, residues 8-28): SGPALHELMR[Glu18Gln]AEISLLECKV